The following is an entry in ClinVar:

NM_213653.4(HJV):c.749G>T (p.Gly250Val)

Gene: HJV (hemojuvelin BMP co-receptor; minus strand). Cytogenetic location: 1q21.1.
Variant type: single nucleotide variant.
Coding change: c.749G>T on transcript NM_213653.4 (MANE Select); coding-DNA position 749, G replaced by T.
Protein change: p.Gly250Val; replaces glycine 250 with valine.
Molecular consequence: missense variant.
Genome position (GRCh38, 1-based): chr1:146,018,609, C>A on the plus strand (G>T on the coding strand, the complement: HJV is on the minus strand). VCF-style: chr1-146018609-C-A. GRCh37 (hg19) VCF-style: chr1-145416404-G-T.
Other names: c.71G>T, p.Gly24Val (NM_001316767.2, NM_202004.4, NM_213652.4); c.749G>T, p.Gly250Val (NM_001379352.1); c.410G>T, p.Gly137Val (NM_145277.5); short protein forms G250V, G137V, G24V.
Identifiers: ClinVar variation 216847 (VCV000216847.8), dbSNP rs863224819, ClinGen allele CA336923.

ClinVar aggregate classification (germline): Uncertain significance. Review status: criteria provided, multiple submitters, no conflicts (2 of 4 stars). 2 submissions from 2 submitters: Uncertain significance (2). Last evaluated 2024-06-05.

Allele frequency attached by ClinVar (database versions not stated): gnomAD 0.00001.
gnomAD v4.1: 1 of 1,614,078 alleles (0.000062%); highest among the groups gnomAD compares: East Asian, 0.0022%; no homozygotes.

Submissions (2):

Women's Health and Genetics/Laboratory Corporation of America, LabCorp
Classification: Uncertain significance. Last evaluated: 2024-06-05. Review status: criteria provided, single submitter. Criteria: LabCorp Variant Classification Summary - May 2015. Collection method: clinical testing. Allele origin: germline.
Comment: Variant summary: HJV c.749G>T (p.Gly250Val) results in a non-conservative amino acid change located in the Repulsive guidance molecule, C-terminal domain (IPR009496) of the encoded protein sequence. Four of four in-silico tools predict a damaging effect of the variant on protein function. The variant allele was found at a frequency of 6.2e-07 in 1614078 control chromosomes. The available data on variant occurrences in the general population are insufficient to allow any conclusion about variant significance. c.749G>T has been reported in the literature in trans with another missense variant in an individual affected with Hemochromatosis Type 2A (Lanzara_2004). This report does not provide unequivocal conclusions about association of the variant with Hemochromatosis Type 2A. To our knowledge, no experimental evidence demonstrating an impact on protein function has been reported. The following publication have been ascertained in the context of this evaluation (PMID: 14982873). ClinVar contains an entry for this variant (Variation ID: 216847). Based on the evidence outlined above, the variant was classified as uncertain significance.

Labcorp Genetics (formerly Invitae), Labcorp
Classification: Uncertain significance. Last evaluated: 2021-08-27. Review status: criteria provided, single submitter. Criteria: Invitae Variant Classification Sherloc (09022015). Collection method: clinical testing. Allele origin: germline.
Comment: This sequence change replaces glycine with valine at codon 250 of the HJV protein (p.Gly250Val). The glycine residue is highly conserved and there is a moderate physicochemical difference between glycine and valine. This variant is not present in population databases (ExAC no frequency). This missense change has been observed in individual(s) with juvenile hemochromatosis (PMID: 14982873). ClinVar contains an entry for this variant (Variation ID: 216847). Algorithms developed to predict the effect of missense changes on protein structure and function (SIFT, PolyPhen-2, Align-GVGD) all suggest that this variant is likely to be disruptive. In summary, the available evidence is currently insufficient to determine the role of this variant in disease. Therefore, it has been classified as a Variant of Uncertain Significance.

Literature cited by the submitters: PubMed 14982873 (cited by Women's Health and Genetics/Laboratory Corporation of America, LabCorp and Labcorp Genetics (formerly Invitae), Labcorp).